The following is an entry in ClinVar:

ClinVar aggregate classification (germline): Uncertain significance. Review status: criteria provided, multiple submitters, no conflicts (2 of 4 stars). 2 submissions from 2 submitters: Uncertain significance (2). Last evaluated 2026-02-03.

Conditions:
AFF4-related disorder. Also called: AFF4-related condition.
Cognitive impairment - coarse facies - heart defects - obesity - pulmonary involvement - short stature - skeletal dysplasia syndrome. Also called: COGNITIVE IMPAIRMENT, COARSE FACIES, HEART DEFECTS, OBESITY, PULMONARY INVOLVEMENT, SHORT STATURE, AND SKELETAL DYSPLASIA; Chops syndrome; AFF4-Related CHOPS Syndrome. Identifiers: Orphanet 444077, MedGen C4085597, MONDO:0014609, OMIM 616368.

Submissions (2):

PreventionGenetics, part of Exact Sciences
Classification: Uncertain significance for AFF4-related condition. Last evaluated: 2026-02-03. Review status: criteria provided, single submitter. Criteria: ACMG Guidelines, 2015. Collection method: clinical testing. Allele origin: germline.
Comment: The AFF4 c.3112_3114delAAT variant is predicted to result in an in-frame deletion (p.Asn1038del). To our knowledge, this variant has not been reported in the literature. This variant is reported in 0.0018% of alleles in individuals of European (Non-Finnish) descent in gnomAD. At this time, the clinical significance of this variant is uncertain due to the absence of conclusive functional and genetic evidence.

Labcorp Genetics (formerly Invitae), Labcorp
Classification: Uncertain significance for Cognitive impairment - coarse facies - heart defects - obesity - pulmonary involvement - short stature - skeletal dysplasia syndrome. Last evaluated: 2022-12-14. Review status: criteria provided, single submitter. Criteria: Invitae Variant Classification Sherloc (09022015). Collection method: clinical testing. Allele origin: germline.
Comment: In summary, the available evidence is currently insufficient to determine the role of this variant in disease. Therefore, it has been classified as a Variant of Uncertain Significance. Experimental studies and prediction algorithms are not available or were not evaluated, and the functional significance of this variant is currently unknown. This variant has not been reported in the literature in individuals affected with AFF4-related conditions. This variant is present in population databases (rs745909003, gnomAD 0.002%). This variant, c.3112_3114del, results in the deletion of 1 amino acid(s) of the AFF4 protein (p.Asn1038del), but otherwise preserves the integrity of the reading frame.

NM_014423.4(AFF4):c.3109AAT[1] (p.Asn1038del)

Gene: AFF4 (ALF transcription elongation factor 4; minus strand). Cytogenetic location: 5q31.1.
Variant type: Microsatellite.
Coding change: c.3109AAT[1] on transcript NM_014423.4 (MANE Select); one copy of the 3-base unit AAT starting at c.3109; the reference has two copies in a row; one copy, 3 bases deleted.
Protein change: p.Asn1038del; deletes asparagine 1038.
Molecular consequence: inframe deletion.
Genome position (GRCh38, 1-based): chr5:132,885,105-132,885,107, ATT deleted on the plus strand (AAT on the coding strand, the reverse complement: AFF4 is on the minus strand); deleting any 3 consecutive bases within chr5:132,885,105-132,885,112 gives the same sequence; the position shown is the placement nearest the transcript's 3' end. VCF-style (leftmost placement, unchanged base first): chr5-132885104-AATT-A. GRCh37 (hg19) VCF-style: chr5-132220796-AATT-A.
Other names: c.3112_3114delAAT (NM_014423.3); short protein forms N1038del.
Identifiers: ClinVar variation 2174746 (VCV002174746.5), dbSNP rs745909003, ClinGen allele CA3408736.
Genomic context (GRCh38, chr5:132,885,104, plus strand): 5'-AATAATATTTTACATAATAAAATTTTACCTACCTTCCCAAGCCAGGCGATGGTGCTTGAG[AATT>A]ATTATAAGAATTCTGTGGAAAAAGTAAAATGTACTTAACAACAACAAAAACCACCACTAC-3'